The following is an entry in ClinVar:

NM_018489.3(ASH1L):c.3553C>G (p.Pro1185Ala)

Gene: ASH1L (ASH1 like histone lysine methyltransferase; minus strand). Cytogenetic location: 1q22.
Variant type: single nucleotide variant.
Coding change: c.3553C>G on transcript NM_018489.3 (MANE Select); coding-DNA position 3553, C replaced by G.
Protein change: p.Pro1185Ala; replaces proline 1185 with alanine.
Molecular consequence: missense variant.
Genome position (GRCh38, 1-based): chr1:155,479,317, G>C on the plus strand (C>G on the coding strand, the complement: ASH1L is on the minus strand). VCF-style: chr1-155479317-G-C. GRCh37 (hg19) VCF-style: chr1-155449108-G-C.
Other names: c.3553C>G, p.Pro1185Ala (NM_001366177.2); short protein forms P1185A.
Identifiers: ClinVar variation 4873283 (VCV004873283.2).
Genomic context (GRCh38, chr1:155,479,317, plus strand): 5'-TTCCAATTCCACTATCACTGGGAATGGTCTCATCACTATGAGACTCACTGATTGGGGAAG[G>C]AGTAGCTTCTTTTAGAGATGTGAGTTCACTCAAGTGCGAAGGAGAATTTGGCAACAAAGT-3'
Protein context (NP_060959.2, residues 1175-1195): SELTSLKEAT[Pro1185Ala]SPISESHSDE

ClinVar aggregate classification (germline): Likely benign (1 of 4 stars; one submission).

gnomAD v4.1: 20 of 1,614,006 alleles (0.0012%); highest among the groups gnomAD compares: Admixed American, 0.0017%; no homozygotes.

Submission:

CeGaT Center for Human Genetics Tuebingen
Classification: Likely benign. Last evaluated: 2026-06-01. Review status: criteria provided, single submitter. Criteria: CeGaT Center For Human Genetics Tuebingen Variant Classification Criteria Version 2. Collection method: clinical testing. Allele origin: germline. Affected: yes. Observed: 1 variant allele.
Comment: ASH1L: BS2